The following is an entry in ClinVar:

ClinVar aggregate classification (germline): Uncertain significance (1 of 4 stars; one submission).

Allele frequency attached by ClinVar (database versions not stated): gnomAD exomes below 0.00001.
gnomAD v4.1: 1 of 1,614,172 alleles (0.000062%); highest among the groups gnomAD compares: Non-Finnish European, 0.000085%; no homozygotes.

Submission:

Labcorp Genetics (formerly Invitae), Labcorp
Classification: Uncertain significance. Last evaluated: 2023-04-14. Review status: criteria provided, single submitter. Criteria: Invitae Variant Classification Sherloc (09022015). Collection method: clinical testing. Allele origin: germline.
Comment: Algorithms developed to predict the effect of sequence changes on RNA splicing suggest that this variant may create or strengthen a splice site. This variant has not been reported in the literature in individuals affected with ALB-related conditions. This variant is not present in population databases (gnomAD no frequency). This sequence change affects codon 520 of the ALB mRNA. It is a 'silent' change, meaning that it does not change the encoded amino acid sequence of the ALB protein. In summary, the available evidence is currently insufficient to determine the role of this variant in disease. Therefore, it has been classified as a Variant of Uncertain Significance.

NM_000477.7(ALB):c.1560A>G (p.Thr520=)

Gene: ALB (albumin; plus strand). Cytogenetic location: 4q13.3.
Variant type: single nucleotide variant.
Coding change: c.1560A>G on transcript NM_000477.7 (MANE Select); coding-DNA position 1560, A replaced by G.
Protein change: p.Thr520=; no amino-acid change (threonine 520 retained).
Molecular consequence: synonymous variant.
Genome position (GRCh38, 1-based): chr4:73,418,219, A>G. VCF-style: chr4-73418219-A-G. GRCh37 (hg19) VCF-style: chr4-74283936-A-G.
Identifiers: ClinVar variation 2856192 (VCV002856192.3), dbSNP rs2149329589, ClinGen allele CA439948393.
Genomic context (GRCh38, chr4:73,418,219, plus strand): 5'-CTGCACAGAATCCTTGGTGAACAGGCGACCATGCTTTTCAGCTCTGGAAGTCGATGAAAC[A>G]TACGTTCCCAAAGAGTTTAATGCTGAAACATTCACCTTCCATGCAGATATATGCACACTT-3'
Protein context (NP_000468.1, residues 510-530): PCFSALEVDE[Thr520=]YVPKEFNAET